The following is an entry in ClinVar:

ClinVar aggregate classification (germline): Likely benign (1 of 4 stars; one submission).

gnomAD v4.1: 1 of 1,211,711 alleles (0.000083%); highest among the groups gnomAD compares: Non-Finnish European, 0.00011%; no homozygotes.

Submission:

CeGaT Center for Human Genetics Tuebingen
Classification: Likely benign. Last evaluated: 2026-05-01. Review status: criteria provided, single submitter. Criteria: CeGaT Center For Human Genetics Tuebingen Variant Classification Criteria Version 2. Collection method: clinical testing. Allele origin: germline. Affected: yes. Observed: 1 variant allele.
Comment: GPC3: BP4, BP7

NM_004484.4(GPC3):c.594C>T (p.Leu198=)

Gene: GPC3 (glypican 3; minus strand). Cytogenetic location: Xq26.2.
Variant type: single nucleotide variant.
Coding change: c.594C>T on transcript NM_004484.4 (MANE Select); coding-DNA position 594, C replaced by T.
Protein change: p.Leu198=; no amino-acid change (leucine 198 retained).
Molecular consequence: synonymous variant.
Genome position (GRCh38, 1-based): chrX:133,753,920, G>A on the plus strand (C>T on the coding strand, the complement: GPC3 is on the minus strand). VCF-style: chrX-133753920-G-A. GRCh37 (hg19) VCF-style: chrX-132887947-G-A.
Other names: c.594C>T, p.Leu198= (NM_001164617.2); c.546C>T, p.Leu182= (NM_001164618.2); c.432C>T, p.Leu144= (NM_001164619.2).
Identifiers: ClinVar variation 4874869 (VCV004874869.2).